The following is an entry in ClinVar:

ClinVar aggregate classification (germline): Pathogenic/Likely pathogenic. Review status: criteria provided, multiple submitters, no conflicts (2 of 4 stars). 3 submissions from 3 submitters: Pathogenic (2); Likely pathogenic (1). Last evaluated 2026-08-06.

Conditions:
Mosaic variegated aneuploidy syndrome 1 (MVA1). Also called: Warburton-Anyane-Yeboa syndrome. Identifiers: Orphanet 1052, MedGen C1850343, MONDO:0009759, OMIM 257300.
Inborn genetic diseases. Identifiers: MedGen C0950123, MeSH D030342.

Submissions (3):

OLLIN Analises Genomicas, OLLIN
Classification: Likely pathogenic for Mosaic variegated aneuploidy syndrome 1. Last evaluated: 2026-08-06. Review status: criteria provided, single submitter. Criteria: ACMG Guidelines 2015 PMID 25741868. Collection method: clinical testing. Allele origin: germline. Inheritance: Autosomal recessive inheritance.
Comment: This frameshift variant, located in exon 18 (of 23), has been reported in ClinVar (accession VCV001325384.6) and in gnomAD with an allele frequency of 0.00012%. However, to our knowledge, it has not been reported in the scientific literature. This variant causes a frameshift and introduces a premature stop codon, which is predicted to result in either a truncated protein or degradation of the mRNA via nonsense-mediated decay (NMD). According to the currently available evidence, this variant has been classified as likely pathogenic (PVS1, PM2_P).

Ambry Genetics
Classification: Pathogenic for Inborn genetic diseases. Last evaluated: 2022-05-02. Review status: criteria provided, single submitter. Criteria: Ambry Variant Classification Scheme 2023. Collection method: clinical testing. Allele origin: germline.
Comment: The c.2328dupA (p.D777Rfs*41) alteration, located in exon 18 (coding exon 18) of the BUB1B gene, consists of a duplication of A at position 2328, causing a translational frameshift with a predicted alternate stop codon after 41 amino acids. This alteration is expected to result in loss of function by premature protein truncation or nonsense-mediated mRNA decay. Based on data from gnomAD, the AA allele has an overall frequency of <0.01% (1/250664) total alleles studied. The highest observed frequency was <0.01% (1/113254) of European (non-Finnish) alleles. Based on the available evidence, this alteration is classified as pathogenic.

Revvity Omics, Revvity
Classification: Pathogenic. Last evaluated: 2020-02-18. Review status: criteria provided, single submitter. Criteria: ACMG Guidelines, 2015. Collection method: clinical testing. Allele origin: germline.

NM_001211.6(BUB1B):c.2328dup (p.Asp777fs)

Gene: BUB1B (BUB1 mitotic checkpoint serine/threonine kinase B; plus strand). Cytogenetic location: 15q15.1.
Variant type: Duplication.
Coding change: c.2328dup on transcript NM_001211.6 (MANE Select); coding-DNA position 2328, one base duplicated (A; older notation c.2328dupA).
Protein change: p.Asp777fs; shifts the reading frame from aspartic acid 777.
Molecular consequence: frameshift variant.
Genome position (GRCh38, 1-based): chr15:40,210,153, A duplicated; the last of 2 consecutive A bases (chr15:40,210,152-40,210,153); duplicating either gives the same sequence. VCF-style (leftmost placement, unchanged base first): chr15-40210151-G-GA. GRCh37 (hg19) VCF-style: chr15-40502352-G-GA.
Other names: c.2328dupA (NM_001211.5); short protein forms D777fs.
Identifiers: ClinVar variation 1325384 (VCV001325384.7), dbSNP rs767768253, ClinGen allele CA7476013.